The following is an entry in ClinVar:

ClinVar aggregate classification (germline): Uncertain significance (1 of 4 stars; one submission).

Allele frequency attached by ClinVar (database versions not stated): ExAC 0.00005; TOPMed 0.00005; ESP Exome Variant Server 0.00008; gnomAD 0.00010.
gnomAD v4.1: 58 of 1,613,802 alleles (0.0036%); highest among the groups gnomAD compares: African/African-American, 0.012%; no homozygotes.

Submission:

Labcorp Genetics (formerly Invitae), Labcorp
Classification: Uncertain significance. Last evaluated: 2025-01-06. Review status: criteria provided, single submitter. Criteria: Invitae Variant Classification Sherloc (09022015). Collection method: clinical testing. Allele origin: germline.
Comment: This sequence change replaces arginine, which is basic and polar, with glutamine, which is neutral and polar, at codon 222 of the LCT protein (p.Arg222Gln). This variant is present in population databases (rs140497392, gnomAD 0.02%). This variant has not been reported in the literature in individuals affected with LCT-related conditions. ClinVar contains an entry for this variant (Variation ID: 1984875). An algorithm developed to predict the effect of missense changes on protein structure and function outputs the following: PolyPhen-2: "Benign". The glutamine amino acid residue is found in multiple mammalian species, which suggests that this missense change does not adversely affect protein function. In summary, the available evidence is currently insufficient to determine the role of this variant in disease. Therefore, it has been classified as a Variant of Uncertain Significance.

NM_002299.4(LCT):c.665G>A (p.Arg222Gln)

Gene: LCT (lactase; minus strand). Cytogenetic location: 2q21.3.
Variant type: single nucleotide variant.
Coding change: c.665G>A on transcript NM_002299.4 (MANE Select); coding-DNA position 665, G replaced by A.
Protein change: p.Arg222Gln; replaces arginine 222 with glutamine.
Molecular consequence: missense variant.
Genome position (GRCh38, 1-based): chr2:135,833,166, C>T on the plus strand (G>A on the coding strand, the complement: LCT is on the minus strand). VCF-style: chr2-135833166-C-T. GRCh37 (hg19) VCF-style: chr2-136590736-C-T.
Other names: short protein forms R222Q.
Identifiers: ClinVar variation 1984875 (VCV001984875.2), dbSNP rs140497392, ClinGen allele CA1888572.